The following is an entry in ClinVar:

ClinVar aggregate classification (germline): Uncertain significance (1 of 4 stars; one submission).

Conditions:
Pierson syndrome. Also called: MICROCORIA-CONGENITAL NEPHROTIC SYNDROME. Identifiers: Orphanet 2670, MedGen C1836876, MONDO:0012184, OMIM 609049.
LAMB2-related infantile-onset nephrotic syndrome. Also called: Nephrotic Syndrome, type 5; NEPHROTIC SYNDROME, TYPE 5, WITHOUT OCULAR ABNORMALITIES; NEPHROTIC SYNDROME, TYPE 5, WITH OCULAR ABNORMALITIES. Identifiers: Orphanet 306507, MedGen C3280113, MONDO:0013621, OMIM 614199.

Submission:

Labcorp Genetics (formerly Invitae), Labcorp
Classification: Uncertain significance for LAMB2-related infantile-onset nephrotic syndrome; Pierson syndrome. Last evaluated: 2023-12-06. Review status: criteria provided, single submitter. Criteria: Invitae Variant Classification Sherloc (09022015). Collection method: clinical testing. Allele origin: germline.
Comment: This sequence change replaces glutamine, which is neutral and polar, with histidine, which is basic and polar, at codon 556 of the LAMB2 protein (p.Gln556His). This variant is not present in population databases (gnomAD no frequency). This variant has not been reported in the literature in individuals affected with LAMB2-related conditions. ClinVar contains an entry for this variant (Variation ID: 934779). An algorithm developed to predict the effect of missense changes on protein structure and function (PolyPhen-2) suggests that this variant is likely to be disruptive. In summary, the available evidence is currently insufficient to determine the role of this variant in disease. Therefore, it has been classified as a Variant of Uncertain Significance.

NM_002292.4(LAMB2):c.1668A>C (p.Gln556His)

Gene: LAMB2 (laminin subunit beta 2; minus strand). Cytogenetic location: 3p21.31.
Variant type: single nucleotide variant.
Coding change: c.1668A>C on transcript NM_002292.4 (MANE Select); coding-DNA position 1668, A replaced by C.
Protein change: p.Gln556His; replaces glutamine 556 with histidine.
Molecular consequence: missense variant.
Genome position (GRCh38, 1-based): chr3:49,129,083, T>G on the plus strand (A>C on the coding strand, the complement: LAMB2 is on the minus strand). VCF-style: chr3-49129083-T-G. GRCh37 (hg19) VCF-style: chr3-49166516-T-G.
Other names: short protein forms Q556H.
Identifiers: ClinVar variation 934779 (VCV000934779.6), dbSNP rs2045453433, ClinGen allele CA352734327.